The following is an entry in ClinVar:

ClinVar aggregate classification (germline): Pathogenic. Review status: criteria provided, single submitter (1 of 4 stars). 2 submissions from 1 submitter: Pathogenic (2). Last evaluated 2022-07-19.

Conditions:
Marfan syndrome (MFS). Also called: Marfan syndrome, classic; Marfan syndrome type 1; Marfan's syndrome; MARFAN SYNDROME, TYPE I; FBN1-Related Marfan Syndrome. Identifiers: Orphanet 284963, Orphanet 558, MedGen C0024796, MONDO:0007947, OMIM 154700.
Familial thoracic aortic aneurysm and aortic dissection (TAAD). Also called: Thoracic aortic aneurysms and dissections. Identifiers: Orphanet 91387, MedGen C4707243, MONDO:0019625.

Submissions (2):

Labcorp Genetics (formerly Invitae), Labcorp
Classification: Pathogenic for Marfan syndrome; Familial thoracic aortic aneurysm and aortic dissection. Last evaluated: 2022-07-19. Review status: criteria provided, single submitter. Criteria: Invitae Variant Classification Sherloc (09022015). Collection method: clinical testing. Allele origin: germline.
Comment: For these reasons, this variant has been classified as Pathogenic. ClinVar contains an entry for this variant (Variation ID: 406330). This variant has not been reported in the literature in individuals affected with FBN1-related conditions. This variant is not present in population databases (gnomAD no frequency). This sequence change creates a premature translational stop signal (p.Asn1382Lysfs*17) in the FBN1 gene. It is expected to result in an absent or disrupted protein product. Loss-of-function variants in FBN1 are known to be pathogenic (PMID: 17657824, 19293843).

Labcorp Genetics (formerly Invitae), Labcorp
Classification: Pathogenic for Marfan syndrome. Last evaluated: 2016-09-04. Review status: criteria provided, single submitter. Criteria: Invitae Variant Classification Sherloc (09022015). Collection method: clinical testing. Allele origin: germline.
Comment: This sequence change inserts 1 nucleotide in exon 34 of the FBN1 mRNA (c.4145dupA), causing a frameshift at codon 1382. This creates a premature translational stop signal (p.Asn1382Lysfs*17) and is expected to result in an absent or disrupted protein product. While this particular variant has not been reported in the literature, loss-of-function variants in FBN1 are known to be pathogenic (PMID: 17657824, 19293843). For these reasons, this variant has been classified as Pathogenic.

Literature cited by the submitters: PubMed 17657824; PubMed 19293843.

NM_000138.5(FBN1):c.4145dup (p.Asn1382fs)

Gene: FBN1 (fibrillin 1; minus strand). Cytogenetic location: 15q21.1.
Variant type: Duplication.
Coding change: c.4145dup on transcript NM_000138.5 (MANE Select); coding-DNA position 4145, one base duplicated (A; older notation c.4145dupA).
Protein change: p.Asn1382fs; shifts the reading frame from asparagine 1382.
Molecular consequence: frameshift variant.
Genome position (GRCh38, 1-based): chr15:48,474,320, T duplicated on the plus strand (A on the coding strand, the reverse complement: FBN1 is on the minus strand); the first of 2 consecutive T bases (chr15:48,474,320-48,474,321); duplicating either gives the same sequence. VCF-style (leftmost placement, unchanged base first): chr15-48474319-A-AT. GRCh37 (hg19) VCF-style: chr15-48766516-A-AT.
Other names: c.4145dupA (NM_000138.4); short protein forms N1382fs.
Identifiers: ClinVar variation 406330 (VCV000406330.7), dbSNP rs1555397663, ClinGen allele CA16614431.
Genomic context (GRCh38, chr15:48,474,319, plus strand): 5'-ACAAGTGAAGCCATCACCTGTGTATCCTTCCTTGCACAGACAGCGGTAAGATCCCATGGT[A>AT]TTCTTGCAGTCTGCATGCTGGCTGCACATATGGGTTCCATTGGAACATTCGTCCAGATCT-3'